The following is an entry in ClinVar:

ClinVar aggregate classification (germline): Uncertain significance. Review status: criteria provided, multiple submitters, no conflicts (2 of 4 stars). 2 submissions from 2 submitters: Uncertain significance (2). Last evaluated 2025-11-22.

Conditions:
Familial cold autoinflammatory syndrome 3 (FCAS3). Also called: ANTIBODY DEFICIENCY AND IMMUNE DYSREGULATION, PLCG2-ASSOCIATED; FAMILIAL ATYPICAL COLD URTICARIA. Identifiers: Orphanet 300359, MedGen C3280914, MONDO:0013766, OMIM 614468.
Autoinflammation-PLCG2-associated antibody deficiency-immune dysregulation. Also called: Autoinflammation, antibody deficiency, and immune dysregulation, plcg2-associated; AUTOINFLAMMATION, ANTIBODY DEFICIENCY, AND IMMUNE DYSREGULATION; Autoinflammation, antibody deficiency, and immune dysregulation syndrome. Identifiers: Orphanet 324530, MedGen C3553961, MONDO:0013944, OMIM 614878.

Allele frequency attached by ClinVar (database versions not stated): ExAC 0.00001; gnomAD 0.00001; gnomAD exomes 0.00002.
gnomAD v4.1: 22 of 1,604,896 alleles (0.0014%); highest among the groups gnomAD compares: East Asian, 0.0067%; no homozygotes.

Submissions (2):

Labcorp Genetics (formerly Invitae), Labcorp
Classification: Uncertain significance for Familial cold autoinflammatory syndrome 3. Last evaluated: 2025-11-22. Review status: criteria provided, single submitter. Criteria: Invitae Variant Classification Sherloc (09022015). Collection method: clinical testing. Allele origin: germline.
Comment: This sequence change replaces valine, which is neutral and non-polar, with isoleucine, which is neutral and non-polar, at codon 755 of the PLCG2 protein (p.Val755Ile). This variant is present in population databases (rs758623675, gnomAD 0.006%). This variant has not been reported in the literature in individuals affected with PLCG2-related conditions. ClinVar contains an entry for this variant (Variation ID: 1471767). An algorithm developed to predict the effect of missense changes on protein structure and function (PolyPhen-2) suggests that this variant is likely to be tolerated. In summary, the available evidence is currently insufficient to determine the role of this variant in disease. Therefore, it has been classified as a Variant of Uncertain Significance.

Fulgent Genetics
Classification: Uncertain significance for Familial cold autoinflammatory syndrome 3; Autoinflammation-PLCG2-associated antibody deficiency-immune dysregulation. Last evaluated: 2021-08-24. Review status: criteria provided, single submitter. Criteria: ACMG Guidelines, 2015. Collection method: clinical testing. Allele origin: unknown.

NM_002661.5(PLCG2):c.2263G>A (p.Val755Ile)

Gene: PLCG2 (phospholipase C gamma 2; plus strand). Cytogenetic location: 16q23.3.
Variant type: single nucleotide variant.
Coding change: c.2263G>A on transcript NM_002661.5 (MANE Select); coding-DNA position 2263, G replaced by A.
Protein change: p.Val755Ile; replaces valine 755 with isoleucine.
Molecular consequence: missense variant.
Genome position (GRCh38, 1-based): chr16:81,921,225, G>A. VCF-style: chr16-81921225-G-A. GRCh37 (hg19) VCF-style: chr16-81954830-G-A.
Other names: short protein forms V755I.
Identifiers: ClinVar variation 1471767 (VCV001471767.7), dbSNP rs758623675, ClinGen allele CA8194160.